The following is an entry in ClinVar:

NM_002691.4(POLD1):c.3096G>A (p.Arg1032=)

Gene: POLD1 (DNA polymerase delta 1, catalytic subunit; plus strand). Cytogenetic location: 19q13.33.
Variant type: single nucleotide variant.
Coding change: c.3096G>A on transcript NM_002691.4 (MANE Select); coding-DNA position 3096, G replaced by A.
Protein change: p.Arg1032=; no amino-acid change (arginine 1032 retained).
Molecular consequence: synonymous variant. On other transcripts: non-coding transcript variant (1).
Genome position (GRCh38, 1-based): chr19:50,417,073, G>A. VCF-style: chr19-50417073-G-A. GRCh37 (hg19) VCF-style: chr19-50920330-G-A.
Other names: c.3096G>A, p.Arg1032= (NM_001256849.1); c.3174G>A, p.Arg1058= (NM_001308632.1).
Identifiers: ClinVar variation 668616 (VCV000668616.12), dbSNP rs1430138817, ClinGen allele CA508186501.

ClinVar aggregate classification (germline): Likely benign. Review status: criteria provided, multiple submitters, no conflicts (2 of 4 stars). 3 submissions from 3 submitters: Likely benign (3). Last evaluated 2025-04-28.

Conditions:
Hereditary cancer-predisposing syndrome. Also called: Hereditary neoplastic syndrome; Tumor predisposition; Hereditary Cancer Syndrome; Neoplastic Syndromes, Hereditary. Identifiers: Orphanet 140162, MedGen C0027672, MeSH D009386, MONDO:0015356.
POLD1-related polyposis and colorectal cancer syndrome (CRCS10). Also called: Colorectal cancer, susceptibility to, 10; Colorectal cancer 10; COLORECTAL CANCER, SUSCEPTIBILITY TO, ON CHROMOSOME 19q. Identifiers: Orphanet 220460, MedGen C2675481, MONDO:0012953, OMIM 612591.

Allele frequency attached by ClinVar (database versions not stated): gnomAD exomes below 0.00001.
gnomAD v4.1: 1 of 1,554,446 alleles (0.000064%); highest among the groups gnomAD compares: Non-Finnish European, 0.000087%; no homozygotes.

Submissions (3):

Labcorp Genetics (formerly Invitae), Labcorp
Classification: Likely benign for POLD1-related polyposis and colorectal cancer syndrome. Last evaluated: 2025-04-28. Review status: criteria provided, single submitter. Criteria: Invitae Variant Classification Sherloc (09022015). Collection method: clinical testing. Allele origin: germline.

Ambry Genetics
Classification: Likely benign for Hereditary cancer-predisposing syndrome. Last evaluated: 2019-06-21. Review status: criteria provided, single submitter. Criteria: Ambry Variant Classification Scheme 2023. Collection method: clinical testing. Allele origin: germline.

GeneDx
Classification: Likely benign. Last evaluated: 2018-05-18. Review status: criteria provided, single submitter. Criteria: GeneDx Variant Classification (06012015). Collection method: clinical testing. Allele origin: germline. Affected: yes.
Comment: This variant is considered likely benign or benign based on one or more of the following criteria: it is a conservative change, it occurs at a poorly conserved position in the protein, it is predicted to be benign by multiple in silico algorithms, and/or has population frequency not consistent with disease.